The following is an entry in ClinVar:

ClinVar aggregate classification (germline): Pathogenic (1 of 4 stars; one submission).

Conditions:
Hyper-IgM syndrome type 1. Also called: Hyper-IgM Immunodeficiency Syndrome, Type 1; CD40 Ligand Deficiency; X-linked hyper-IgM syndrome; Immunodeficiency, X-linked, with hyper-IgM. Identifiers: Orphanet 101088, MedGen C0398689, MONDO:0010626, OMIM 308230.

Submission:

Labcorp Genetics (formerly Invitae), Labcorp
Classification: Pathogenic for Hyper-IgM syndrome type 1. Last evaluated: 2022-05-20. Review status: criteria provided, single submitter. Criteria: Invitae Variant Classification Sherloc (09022015). Collection method: clinical testing. Allele origin: germline.
Comment: This sequence change creates a premature translational stop signal (p.Thr15Leufs*7) in the CD40LG gene. It is expected to result in an absent or disrupted protein product. Loss-of-function variants in CD40LG are known to be pathogenic (PMID: 15319456). This variant is not present in population databases (gnomAD no frequency). This variant has not been reported in the literature in individuals affected with CD40LG-related conditions. For these reasons, this variant has been classified as Pathogenic.

Literature cited by the submitters: PubMed 15319456.

NM_000074.3(CD40LG):c.43del (p.Thr15fs)

Gene: CD40LG (CD40 ligand; plus strand). Cytogenetic location: Xq26.3.
Variant type: Deletion.
Coding change: c.43del on transcript NM_000074.3 (MANE Select); coding-DNA position 43, one base deleted (A; older notation c.43delA).
Protein change: p.Thr15fs; shifts the reading frame from threonine 15.
Molecular consequence: frameshift variant.
Genome position (GRCh38, 1-based): chrX:136,648,291, A deleted. VCF-style (leftmost placement, unchanged base first): chrX-136648290-CA-C. GRCh37 (hg19) VCF-style: chrX-135730449-CA-C.
Other names: short protein forms T15fs.
Identifiers: ClinVar variation 1996844 (VCV001996844.4), dbSNP rs2522103731, ClinGen allele CA2580101569.
Genomic context (GRCh38, chrX:136,648,290, plus strand): 5'-ATTTCAACTTTAACACAGCATGATCGAAACATACAACCAAACTTCTCCCCGATCTGCGGC[CA>C]CTGGACTGCCCATCAGCATGAAAATTTTTATGTATTTACTTACTGTTTTTCTTATCACCC-3'